The following is an entry in ClinVar:

ClinVar aggregate classification (germline): Likely benign (1 of 4 stars; one submission).

Allele frequency attached by ClinVar (database versions not stated): gnomAD exomes 0.00183; 1000 Genomes Project 0.01398; 1000 Genomes Project 30x 0.01437.
gnomAD v4.1: 3,160 of 690,618 alleles (0.46%); highest among the groups gnomAD compares: African/African-American, 4.9%; 66 homozygotes.

Submission:

GeneDx
Classification: Likely benign. Last evaluated: 2020-02-03. Review status: criteria provided, single submitter. Criteria: GeneDx Variant Classification Process June 2021. Collection method: clinical testing. Allele origin: germline. Affected: yes.
Comment: See Variant Classification Assertion Criteria.

NM_000195.5(HPS1):c.1744-149G>A

Gene: HPS1 (HPS1 biogenesis of lysosomal organelles complex 3 subunit 1; minus strand). Cytogenetic location: 10q24.2.
Variant type: single nucleotide variant.
Coding change: c.1744-149G>A on transcript NM_000195.5 (MANE Select); 149 bases into the intron before coding-DNA position 1744, G replaced by A.
Molecular consequence: intron variant.
Genome position (GRCh38, 1-based): chr10:98,420,307, C>T on the plus strand (G>A on the coding strand, the complement: HPS1 is on the minus strand). VCF-style: chr10-98420307-C-T. GRCh37 (hg19) VCF-style: chr10-100180064-C-T.
Other names: c.1375-149G>A (NM_001322483.2, NM_001322484.2); c.1483-149G>A (NM_001322480.2, NM_001322481.2); c.1645-149G>A (NM_001322478.2, NM_001322479.2); c.1744-149G>A (NM_001322476.2, NM_001322477.2); c.1276-149G>A (NM_001322485.2); c.1384-149G>A (NM_001322482.2); c.772-149G>A (NM_001322489.2, NM_001311345.2, NM_001322487.2).
Identifiers: ClinVar variation 1706781 (VCV001706781.2), dbSNP rs79579720, ClinGen allele CA212759644.